The following is an entry in ClinVar:

ClinVar aggregate classification (germline): Uncertain significance (1 of 4 stars; one submission).

Conditions:
Hereditary cancer-predisposing syndrome. Also called: Neoplastic Syndromes, Hereditary; Tumor predisposition; Hereditary Cancer Syndrome; Hereditary neoplastic syndrome. Identifiers: Orphanet 140162, MedGen C0027672, MeSH D009386, MONDO:0015356.

Submission:

Ambry Genetics
Classification: Uncertain significance for Hereditary cancer-predisposing syndrome. Last evaluated: 2026-01-03. Review status: criteria provided, single submitter. Criteria: Ambry Variant Classification Scheme 2023. Collection method: clinical testing. Allele origin: germline.
Comment: The p.V140I variant (also known as c.418G>A), located in coding exon 4 of the NBN gene, results from a G to A substitution at nucleotide position 418. The valine at codon 140 is replaced by isoleucine, an amino acid with highly similar properties. This amino acid position is conserved. In addition, this alteration is predicted to be tolerated by in silico analysis. Based on the available evidence, the clinical significance of this variant remains unclear.

NM_002485.5(NBN):c.418G>A (p.Val140Ile)

Gene: NBN (nibrin; minus strand). Cytogenetic location: 8q21.3.
Variant type: single nucleotide variant.
Coding change: c.418G>A on transcript NM_002485.5 (MANE Select); coding-DNA position 418, G replaced by A.
Protein change: p.Val140Ile; replaces valine 140 with isoleucine.
Molecular consequence: missense variant.
Genome position (GRCh38, 1-based): chr8:89,980,796, C>T on the plus strand (G>A on the coding strand, the complement: NBN is on the minus strand). VCF-style: chr8-89980796-C-T. GRCh37 (hg19) VCF-style: chr8-90993024-C-T.
Other names: c.172G>A, p.Val58Ile (NM_001024688.3, NM_001440379.1, NM_001440380.1); short protein forms V140I, V58I.
Identifiers: ClinVar variation 4843330 (VCV004843330.1).
Genomic context (GRCh38, chr8:89,980,796, plus strand): 5'-TAATGGTAACTTTCACTGATACCATGACAAGGTGAGTGCATTCTTCTGTCCAATTGTTTA[C>T]AGTAAATCCTCCAAGTTGCAATATAGCTTGATTTAAAGCAGTTTTCCCAGAGACATCTAA-3'
Protein context (NP_002476.2, residues 130-150): QAILQLGGFT[Val140Ile]NNWTEECTHL